The following is an entry in ClinVar:

ClinVar aggregate classification (germline): Benign/Likely benign. Review status: criteria provided, multiple submitters, no conflicts (2 of 4 stars). 4 submissions from 4 submitters: Benign (1); Likely benign (2). 1 of the submissions does not count toward it. Last evaluated 2026-02-04.

Conditions:
CIB1-related disorder. Also called: CIB1-related condition.

Allele frequency attached by ClinVar (database versions not stated): 1000 Genomes Project 30x 0.17302; gnomAD 0.20045 and 0.20932; gnomAD exomes 0.14841; TOPMed 0.21733; 1000 Genomes Project 0.16813.
gnomAD v4.1: 228,238 of 1,480,096 alleles (15%); highest among the groups gnomAD compares: African/African-American, 37%; 20,421 homozygotes.

Submissions (4):

Labcorp Genetics (formerly Invitae), Labcorp
Classification: Likely benign. Last evaluated: 2026-02-04. Review status: criteria provided, single submitter. Criteria: Invitae Variant Classification Sherloc (09022015). Collection method: clinical testing. Allele origin: germline.

Unidad de Genómica Garrahan, Hospital de Pediatría Garrahan
Classification: Benign. Last evaluated: 2024-01-24. Review status: criteria provided, single submitter. Criteria: ACMG Guidelines, 2015. Collection method: clinical testing. Allele origin: germline. Affected: no. Observed: 29 variant alleles.
Comment: This variant is classified as Benign based on local population frequency. This variant was detected in 33% of patients studied by a panel of primary immunodeficiencies. Number of patients: 29. Only high quality variants are reported.

Breakthrough Genomics
Classification: Likely benign. Review status: criteria provided, single submitter. Criteria: ACMG Guidelines, 2015. Collection method: not provided. Allele origin: germline. Inheritance: Autosomal recessive inheritance. Affected: yes.

PreventionGenetics, part of Exact Sciences
Classification: Benign for CIB1-related condition. Last evaluated: 2019-10-28. Review status: no assertion criteria provided. Collection method: clinical testing. Allele origin: germline. Not counted in ClinVar's aggregate classification.
Comment: This variant is classified as benign based on ACMG/AMP sequence variant interpretation guidelines (Richards et al. 2015 PMID: 25741868, with internal and published modifications).

NM_006384.4(CIB1):c.87-84C>T

Gene: CIB1 (calcium and integrin binding 1; minus strand). Cytogenetic location: 15q26.1.
Variant type: single nucleotide variant.
Coding change: c.87-84C>T on transcript NM_006384.4 (MANE Select); 84 bases into the intron before coding-DNA position 87, C replaced by T.
Molecular consequence: intron variant. On other transcripts: synonymous variant (1).
Genome position (GRCh38, 1-based): chr15:90,232,411, G>A on the plus strand (C>T on the coding strand, the complement: CIB1 is on the minus strand). VCF-style: chr15-90232411-G-A. GRCh37 (hg19) VCF-style: chr15-90775643-G-A.
Other names: c.123C>T, p.Asp41= (NM_001277764.2).
Identifiers: ClinVar variation 768726 (VCV000768726.16), dbSNP rs4451921, ClinGen allele CA14124411.